The following is an entry in ClinVar:

NM_001374736.1(DST):c.22939C>T (p.Pro7647Ser)

Gene: DST (dystonin; minus strand). Cytogenetic location: 6p12.1.
Variant type: single nucleotide variant.
Coding change: c.22939C>T on transcript NM_001374736.1 (MANE Select); coding-DNA position 22939, C replaced by T.
Protein change: p.Pro7647Ser; replaces proline 7647 with serine.
Molecular consequence: missense variant.
Genome position (GRCh38, 1-based): chr6:56,463,585, G>A on the plus strand (C>T on the coding strand, the complement: DST is on the minus strand). VCF-style: chr6-56463585-G-A. GRCh37 (hg19) VCF-style: chr6-56328383-G-A.
Other names: c.16510C>T, p.Pro5504Ser (NM_001144769.5); c.16096C>T, p.Pro5366Ser (NM_001144770.2); c.22867C>T, p.Pro7623Ser (NM_001374722.1); c.21979C>T, p.Pro7327Ser (NM_001374729.1); c.15721C>T, p.Pro5241Ser (NM_001374730.1); c.22894C>T, p.Pro7632Ser (NM_001374734.1); c.14998C>T, p.Pro5000Ser (NM_015548.5); c.15976C>T, p.Pro5326Ser (NM_183380.4); short protein forms P5366S, P5241S, P5326S, P7327S, P7623S, P7632S, P7647S, P5000S.
Identifiers: ClinVar variation 966652 (VCV000966652.10), dbSNP rs201952309, ClinGen allele CA3866109.

ClinVar aggregate classification (germline): Uncertain significance. Review status: criteria provided, multiple submitters, no conflicts (2 of 4 stars). 2 submissions from 2 submitters: Uncertain significance (2). Last evaluated 2023-07-19.

Conditions:
Inborn genetic diseases. Identifiers: MedGen C0950123, MeSH D030342.
Hereditary sensory and autonomic neuropathy type 6. Also called: Neuropathy, hereditary sensory and autonomic, type VI; HSAN VI. Identifiers: Orphanet 314381, MedGen C3539003, MONDO:0013839, OMIM 614653.
Epidermolysis bullosa simplex 3, localized or generalized intermediate, with BP230 deficiency (EBS3). Also called: Epidermolysis bullosa simplex, autosomal recessive 2; Epidermolysis bullosa simplex due to BP230 deficiency. Identifiers: Orphanet 412181, MedGen C3809470, MONDO:0014180, OMIM 615425.

Allele frequency attached by ClinVar (database versions not stated): gnomAD 0.00003 and 0.00004; gnomAD exomes 0.00003; TOPMed 0.00003; ExAC 0.00004; ESP Exome Variant Server 0.00008.
gnomAD v4.1: 43 of 1,595,338 alleles (0.0027%); highest among the groups gnomAD compares: East Asian, 0.022%; no homozygotes.

Submissions (2):

Labcorp Genetics (formerly Invitae), Labcorp
Classification: Uncertain significance for Epidermolysis bullosa simplex 3, localized or generalized intermediate, with BP230 deficiency; Hereditary sensory and autonomic neuropathy type 6. Last evaluated: 2023-07-19. Review status: criteria provided, single submitter. Criteria: Invitae Variant Classification Sherloc (09022015). Collection method: clinical testing. Allele origin: germline.
Comment: In summary, the available evidence is currently insufficient to determine the role of this variant in disease. Therefore, it has been classified as a Variant of Uncertain Significance. Experimental studies and prediction algorithms are not available or were not evaluated, and the functional significance of this variant is currently unknown. This variant has not been reported in the literature in individuals affected with DST-related conditions. This variant is present in population databases (rs201952309, gnomAD 0.005%). This sequence change replaces proline, which is neutral and non-polar, with serine, which is neutral and polar, at codon 5000 of the DST protein (p.Pro5000Ser). The DST gene has multiple clinically relevant transcripts. This variant occurs in alternate transcript NM_015548.4, and corresponds to NM_001723.5:c.*151932C>T in the primary transcript.

Ambry Genetics
Classification: Uncertain significance for Inborn genetic diseases. Last evaluated: 2019-09-06. Review status: criteria provided, single submitter. Criteria: Ambry Variant Classification Scheme 2023. Collection method: clinical testing. Allele origin: germline.
Comment: The p.P5504S variant (also known as c.16510C>T), located in coding exon 94 of the DST gene, results from a C to T substitution at nucleotide position 16510. The proline at codon 5504 is replaced by serine, an amino acid with similar properties. This amino acid position is not well conserved in available vertebrate species. In addition, this alteration is predicted to be tolerated by in silico analysis. Since supporting evidence is limited at this time, the clinical significance of this alteration remains unclear.